The following is an entry in ClinVar:

ClinVar aggregate classification (germline): Uncertain significance (1 of 4 stars; one submission).

Conditions:
Multiple endocrine neoplasia type 4. Also called: MULTIPLE ENDOCRINE NEOPLASIA, TYPE IV. Identifiers: Orphanet 276152, MedGen C1970712, MONDO:0012552, OMIM 610755.

Submission:

Labcorp Genetics (formerly Invitae), Labcorp
Classification: Uncertain significance for Multiple endocrine neoplasia type 4. Last evaluated: 2020-05-11. Review status: criteria provided, single submitter. Criteria: Invitae Variant Classification Sherloc (09022015). Collection method: clinical testing. Allele origin: germline.
Comment: This sequence change replaces arginine with lysine at codon 169 of the CDKN1B protein (p.Arg169Lys). The arginine residue is highly conserved and there is a small physicochemical difference between arginine and lysine. This variant is not present in population databases (ExAC no frequency). This variant has not been reported in the literature in individuals with CDKN1B-related conditions. Algorithms developed to predict the effect of missense changes on protein structure and function are either unavailable or do not agree on the potential impact of this missense change (SIFT: "Deleterious"; PolyPhen-2: "Benign"; Align-GVGD: "Class C0"). In summary, the available evidence is currently insufficient to determine the role of this variant in disease. Therefore, it has been classified as a Variant of Uncertain Significance.

NM_004064.5(CDKN1B):c.506G>A (p.Arg169Lys)

Gene: CDKN1B (cyclin dependent kinase inhibitor 1B; plus strand). Cytogenetic location: 12p13.1.
Variant type: single nucleotide variant.
Coding change: c.506G>A on transcript NM_004064.5 (MANE Select); coding-DNA position 506, G replaced by A.
Protein change: p.Arg169Lys; replaces arginine 169 with lysine.
Molecular consequence: missense variant.
Genome position (GRCh38, 1-based): chr12:12,718,855, G>A. VCF-style: chr12-12718855-G-A. GRCh37 (hg19) VCF-style: chr12-12871789-G-A.
Other names: short protein forms R169K.
Identifiers: ClinVar variation 1027109 (VCV001027109.8), dbSNP rs1946511810, ClinGen allele CA383972782.
Genomic context (GRCh38, chr12:12,718,855, plus strand): 5'-GTTCTTTTTAAAAATTTCCCCTGCGCTTAGATTCTTCTACTCAAAACAAAAGAGCCAACA[G>A]AACAGAAGAAAATGTTTCAGACGGTTCCCCAAATGCCGGTTCTGTGGAGCAGACGCCCAA-3'
Protein context (NP_004055.1, residues 159-179): DSSTQNKRAN[Arg169Lys]TEENVSDGSP